The following is an entry in ClinVar:

ClinVar aggregate classification (germline): Pathogenic (1 of 4 stars; one submission).

Submission:

Dasa
Classification: Pathogenic. Last evaluated: 2026-01-18. Review status: criteria provided, single submitter. Criteria: DASA Assertion Criteria. Collection method: clinical testing. Allele origin: germline.
Comment: NM_001371623.1(TCOF1):c.1047_1050del (p.Ser349Argfs*143) introduces a premature termination codon predicted to result in loss of normal protein function. Loss-of-function is an established mechanism of disease for this gene. The variant is present at low frequency in population datasets. Based on the available data, this variant is classified as pathogenic.

NM_001371623.1(TCOF1):c.1047_1050del (p.Ser349fs)

Gene: TCOF1 (treacle ribosome biogenesis factor 1; plus strand). Cytogenetic location: 5q32.
Variant type: Deletion.
Coding change: c.1047_1050del on transcript NM_001371623.1 (MANE Select); coding-DNA positions 1047 to 1050, 4 bases deleted (TGAG; older notation c.1047_1050delTGAG).
Protein change: p.Ser349fs; shifts the reading frame from serine 349.
Molecular consequence: frameshift variant.
Genome position (GRCh38, 1-based): chr5:150,374,350-150,374,353, TGAG deleted; deleting any 4 consecutive bases within chr5:150,374,348-150,374,353 gives the same sequence; the c. name uses the placement nearest the transcript's 3' end. VCF-style (leftmost placement, unchanged base first): chr5-150374347-CAGTG-C. GRCh37 (hg19) VCF-style: chr5-149753910-CAGTG-C.
Other names: c.816_819del, p.Ser272fs (NM_000356.4, NM_001135245.2, NM_001437406.1); c.1047_1050del, p.Ser349fs (NM_001008657.3, NM_001135243.2, NM_001135244.2 and 1 more transcripts); short protein forms S272fs, S349fs.
Identifiers: ClinVar variation 4851853 (VCV004851853.1).